The following is an entry in ClinVar:

ClinVar aggregate classification (germline): Benign/Likely benign. Review status: criteria provided, multiple submitters, no conflicts (2 of 4 stars). 3 submissions from 3 submitters: Benign (1); Likely benign (2). Last evaluated 2026-06-16.

Conditions:
Gastrointestinal stromal tumor. Also called: Gastrointestinal stromal tumor, somatic; Gastrointestinal stroma tumor. Identifiers: Orphanet 44890, MedGen C0238198, MeSH D046152, MONDO:0011719, OMIM 606764, HP:0100723.
Polyps, multiple and recurrent inflammatory fibroid, gastrointestinal. Identifiers: MedGen C5193005, MONDO:0008285, OMIM 175510.
Hereditary cancer-predisposing syndrome. Also called: Neoplastic Syndromes, Hereditary; Tumor predisposition; Hereditary Cancer Syndrome; Hereditary neoplastic syndrome. Identifiers: Orphanet 140162, MedGen C0027672, MeSH D009386, MONDO:0015356.

Submissions (3):

Myriad Genetics, Inc.
Classification: Benign for Polyps, multiple and recurrent inflammatory fibroid, gastrointestinal. Last evaluated: 2026-06-16. Review status: criteria provided, single submitter. Criteria: Myriad Autosomal Dominant, Autosomal Recessive and X-Linked Classification Criteria (2023). Collection method: clinical testing. Allele origin: unknown.
Comment: This variant is considered benign. This variant is a silent/synonymous amino acid change and it is not expected to impact splicing.

Labcorp Genetics (formerly Invitae), Labcorp
Classification: Likely benign for Gastrointestinal stromal tumor. Last evaluated: 2026-01-16. Review status: criteria provided, single submitter. Criteria: Invitae Variant Classification Sherloc (09022015). Collection method: clinical testing. Allele origin: germline.

Ambry Genetics
Classification: Likely benign for Hereditary cancer-predisposing syndrome. Last evaluated: 2020-06-04. Review status: criteria provided, single submitter. Criteria: Ambry Variant Classification Scheme 2023. Collection method: clinical testing. Allele origin: germline.

NM_006206.6(PDGFRA):c.312C>T (p.His104=)

Gene: PDGFRA (platelet derived growth factor receptor alpha; plus strand). Cytogenetic location: 4q12.
Variant type: single nucleotide variant.
Coding change: c.312C>T on transcript NM_006206.6 (MANE Select); coding-DNA position 312, C replaced by T.
Protein change: p.His104=; no amino-acid change (histidine 104 retained).
Molecular consequence: synonymous variant.
Genome position (GRCh38, 1-based): chr4:54,261,357, C>T. VCF-style: chr4-54261357-C-T. GRCh37 (hg19) VCF-style: chr4-55127524-C-T.
Other names: c.312C>T, p.His104= (NM_001347827.2, NM_001347829.2); c.387C>T, p.His129= (NM_001347828.2); c.351C>T, p.His117= (NM_001347830.2).
Identifiers: ClinVar variation 1627746 (VCV001627746.11), dbSNP rs2110243465, ClinGen allele CA439408722.